The following is an entry in ClinVar:

ClinVar aggregate classification (germline): Pathogenic (1 of 4 stars; one submission).

Conditions:
PKD1-related disorder. Also called: PKD1-related condition.

Submission:

PreventionGenetics, part of Exact Sciences
Classification: Pathogenic for PKD1-related condition. Last evaluated: 2023-08-07. Review status: criteria provided, single submitter. Criteria: ACMG Guidelines, 2015. Collection method: clinical testing. Allele origin: germline.
Comment: The PKD1 c.11270-25_11316del72 variant is predicted to result in a frameshift and premature protein termination (p.Ala3757Glyfs*43). This variant was reported to segregate with disease in a family with polycystic kidney disease and splicing studies found this variant results in an inframe deletion of the first 17 amino acids of the exon (referred to as IVS39+266del72 in Peral et al. 1996. PubMed ID: 8554072). This variant has not been reported in a large population database, indicating this variant is rare. This variant is interpreted as pathogenic.

NM_001009944.3(PKD1):c.11270-25_11316del

Genes: PKD1 (polycystin 1, transient receptor potential channel interacting; minus strand), PKD1-AS1 (PKD1 antisense RNA 1; plus strand). Cytogenetic location: 16p13.3.
Variant type: Deletion.
Coding change: c.11270-25_11316del on transcript NM_001009944.3 (MANE Select); 25 bases into the intron before coding-DNA position 11270 through coding-DNA position 11316, 72 bases deleted.
Molecular consequence: splice acceptor variant.
Genome position (GRCh38, 1-based): chr16:2,092,142-2,092,213, 72 bases deleted. GRCh37 (hg19): chr16:2,142,145-2,142,216.
Other names: c.11267-25_11313del (NM_000296.4).
Identifiers: ClinVar variation 2631604 (VCV002631604.1), dbSNP rs2544625593, ClinGen allele CA2695197386.